The following is an entry in ClinVar:

NM_181882.3(PRX):c.1013C>T (p.Ala338Val)

Gene: PRX (periaxin; minus strand). Cytogenetic location: 19q13.2.
Variant type: single nucleotide variant.
Coding change: c.1013C>T on transcript NM_181882.3 (MANE Select); coding-DNA position 1013, C replaced by T.
Protein change: p.Ala338Val; replaces alanine 338 with valine.
Molecular consequence: missense variant. On other transcripts: 3 prime UTR variant (1).
Genome position (GRCh38, 1-based): chr19:40,397,339, G>A on the plus strand (C>T on the coding strand, the complement: PRX is on the minus strand). VCF-style: chr19-40397339-G-A. GRCh37 (hg19) VCF-style: chr19-40903246-G-A.
Other names: c.*1218C>T (NM_020956.2); short protein forms A338V.
Identifiers: ClinVar variation 579484 (VCV000579484.7), dbSNP rs1368840723, ClinGen allele CA405899250.

ClinVar aggregate classification (germline): Uncertain significance (1 of 4 stars; one submission).

Conditions:
Charcot-Marie-Tooth disease type 4. Also called: Charcot-Marie-Tooth, Type 4; Charcot-Marie-Tooth disease, type IV. Identifiers: Orphanet 64749, MedGen C4082197, MONDO:0018995.

Allele frequency attached by ClinVar (database versions not stated): gnomAD exomes below 0.00001; TOPMed below 0.00001.
gnomAD v4.1: 1 of 1,613,080 alleles (0.000062%); highest among the groups gnomAD compares: Non-Finnish European, 0.000085%; no homozygotes.

Submission:

Labcorp Genetics (formerly Invitae), Labcorp
Classification: Uncertain significance for Charcot-Marie-Tooth disease type 4. Last evaluated: 2025-03-13. Review status: criteria provided, single submitter. Criteria: Invitae Variant Classification Sherloc (09022015). Collection method: clinical testing. Allele origin: germline.
Comment: This sequence change replaces alanine, which is neutral and non-polar, with valine, which is neutral and non-polar, at codon 338 of the PRX protein (p.Ala338Val). This variant is present in population databases (no rsID available, gnomAD 0.0009%). This variant has not been reported in the literature in individuals affected with PRX-related conditions. ClinVar contains an entry for this variant (Variation ID: 579484). An algorithm developed to predict the effect of missense changes on protein structure and function (PolyPhen-2) suggests that this variant is likely to be disruptive. In summary, the available evidence is currently insufficient to determine the role of this variant in disease. Therefore, it has been classified as a Variant of Uncertain Significance.